The following is an entry in ClinVar:

NM_017617.5(NOTCH1):c.2092A>G (p.Asn698Asp)

Gene: NOTCH1 (notch receptor 1; minus strand). Cytogenetic location: 9q34.3.
Variant type: single nucleotide variant.
Coding change: c.2092A>G on transcript NM_017617.5 (MANE Select); coding-DNA position 2092, A replaced by G.
Protein change: p.Asn698Asp; replaces asparagine 698 with aspartic acid.
Molecular consequence: missense variant.
Genome position (GRCh38, 1-based): chr9:136,514,625, T>C on the plus strand (A>G on the coding strand, the complement: NOTCH1 is on the minus strand). VCF-style: chr9-136514625-T-C. GRCh37 (hg19) VCF-style: chr9-139409077-T-C.
Other names: short protein forms N698D.
Identifiers: ClinVar variation 2566649 (VCV002566649.2), dbSNP rs2133360982, ClinGen allele CA375558755.
Genomic context (GRCh38, chr9:136,514,625, plus strand): 5'-TGACCTCAGACAGGCAGGTGGGGTCGTGGTAGCCCTCGGGGCAGCGGCAGGTGAAGCCAT[T>C]GATGCCGTCCTCGCAGGTGCCCCCGTTGTGGCAGGGGTTGCCCGCACACTCATCGATGTT-3'
Protein context (NP_060087.3, residues 688-708): HNGGTCEDGI[Asn698Asp]GFTCRCPEGY

ClinVar aggregate classification (germline): Uncertain significance (1 of 4 stars; one submission).

Conditions:
Familial thoracic aortic aneurysm and aortic dissection (TAAD). Also called: Thoracic aortic aneurysms and dissections. Identifiers: Orphanet 91387, MedGen C4707243, MONDO:0019625.

Allele frequency attached by ClinVar (database versions not stated): gnomAD exomes below 0.00001.
gnomAD v4.1: 1 of 1,611,354 alleles (0.000062%); highest among the groups gnomAD compares: Admixed American, 0.0017%; no homozygotes.

Submission:

Ambry Genetics
Classification: Uncertain significance for Familial thoracic aortic aneurysm and aortic dissection. Last evaluated: 2023-04-28. Review status: criteria provided, single submitter. Criteria: Ambry Variant Classification Scheme 2023. Collection method: clinical testing. Allele origin: germline.
Comment: The p.N698D variant (also known as c.2092A>G), located in coding exon 13 of the NOTCH1 gene, results from an A to G substitution at nucleotide position 2092. The asparagine at codon 698 is replaced by aspartic acid, an amino acid with highly similar properties. This amino acid position is conserved. In addition, this alteration is predicted to be tolerated by in silico analysis. Since supporting evidence is limited at this time, the clinical significance of this alteration remains unclear.